The following is an entry in ClinVar:

NM_003235.5(TG):c.3149G>T (p.Trp1050Leu)

Gene: TG (thyroglobulin; plus strand). Cytogenetic location: 8q24.22.
Variant type: single nucleotide variant.
Coding change: c.3149G>T on transcript NM_003235.5 (MANE Select); coding-DNA position 3149, G replaced by T.
Protein change: p.Trp1050Leu; replaces tryptophan 1050 with leucine.
Molecular consequence: missense variant.
Genome position (GRCh38, 1-based): chr8:132,898,178, G>T. VCF-style: chr8-132898178-G-T. GRCh37 (hg19) VCF-style: chr8-133910423-G-T.
Other names: short protein forms W1050L.
Identifiers: ClinVar variation 981843 (VCV000981843.29), dbSNP rs142124591, ClinGen allele CA4883644.

ClinVar aggregate classification (germline): Uncertain significance. Review status: criteria provided, multiple submitters, no conflicts (2 of 4 stars). 6 submissions from 6 submitters: Uncertain significance (6). Last evaluated 2024-12-05.

Conditions:
Iodotyrosyl coupling defect (TDH3). Also called: THYROID HORMONOGENESIS, GENETIC DEFECT IN, 3; HYPOTHYROIDISM, CONGENITAL, DUE TO DYSHORMONOGENESIS, 3. Identifiers: Orphanet 95716, MedGen C0342194, MONDO:0010135, OMIM 274700.
Autoimmune thyroid disease, susceptibility to, 3. Identifiers: MedGen C1842444, MONDO:0011982, OMIM 608175.
Hereditary breast ovarian cancer syndrome. Also called: Hereditary breast and ovarian cancer syndrome (HBOC); Hereditary breast and ovarian cancer syndrome; Hereditary breast and ovarian cancer; Breast and ovarian cancer; BRCA1- and BRCA2-Associated Hereditary Breast and Ovarian Cancer; Hereditary breast and/or ovarian cancer syndrome. Identifiers: Orphanet 145, MedGen C0677776, MeSH D061325, MONDO:0003582. Disease mechanism: loss of function.
TG-related disorder. Also called: TG-related disorders; TG-related condition.

Allele frequency attached by ClinVar (database versions not stated): gnomAD 0.00007 and 0.00014; ESP Exome Variant Server 0.00008; gnomAD exomes 0.00011 and 0.00033; TOPMed 0.00020; 1000 Genomes Project 30x 0.00047; ExAC 0.00059; 1000 Genomes Project 0.00060.
gnomAD v4.1: 200 of 1,603,082 alleles (0.012%); highest among the groups gnomAD compares: Middle Eastern, 0.34%; no homozygotes.

Submissions (6):

Women's Health and Genetics/Laboratory Corporation of America, LabCorp
Classification: Uncertain significance. Last evaluated: 2024-12-05. Review status: criteria provided, single submitter. Criteria: LabCorp Variant Classification Summary - May 2015. Collection method: clinical testing. Allele origin: germline.
Comment: Variant summary: TG c.3149G>T (p.Trp1050Leu) results in a non-conservative amino acid change located in the Thyroglobulin type-1 domain (IPR036857) of the encoded protein sequence. Five of five in-silico tools predict a damaging effect of the variant on protein function. The variant allele was found at a frequency of 0.00033 in 235742 control chromosomes, predominantly at a frequency of 0.001 within the Latino subpopulation in the gnomAD database. This frequency is not significantly higher than estimated for a pathogenic variant in TG causing TG-Related Disorders, allowing no conclusion about variant significance. c.3149G>T has been reported in the literature in individuals affected with congenital hypothyroidism, without strong evidence for causality (Nicholas_2016, Boudellioua_2017,Gorukmez_2023, Kara_2023). These report(s) do not provide unequivocal conclusions about association of the variant with TG-Related Disorders. To our knowledge, no experimental evidence demonstrating an impact on protein function has been reported. The following publications have been ascertained in the context of this evaluation (PMID: 28414800, 36964972, 36913313, 27525530). ClinVar contains an entry for this variant (Variation ID: 981843). Based on the evidence outlined above, the variant was classified as uncertain significance.

PreventionGenetics, part of Exact Sciences
Classification: Uncertain significance for TG-related condition. Last evaluated: 2024-10-28. Review status: criteria provided, single submitter. Criteria: ACMG Guidelines, 2015. Collection method: clinical testing. Allele origin: germline.
Comment: The TG c.3149G>T variant is predicted to result in the amino acid substitution p.Trp1050Leu. This variant has been reported in individuals with thyroid dyshormonogenesis (Nicholas et al. 2016. PubMed ID: 27525530; Boudellioua et al. 2017. PubMed ID: 28414800; Kara et al. 2023. PubMed ID: 36913313; Gorukmez et al. 2023. PubMed ID: 36964972). It has been observed alone and along with variants in other genes including DUOX2 and TPO in association with thyroid disorders (Nicholas et al. 2016. PubMed ID: 27525530; Kara et al. 2023. PubMed ID: 36913313). This variant is reported in 0.10% of alleles in individuals of Latino descent in gnomAD. At this time, the clinical significance of this variant is uncertain due to the absence of conclusive functional and genetic evidence.

Department of Pathology and Laboratory Medicine, Sinai Health System
Classification: Uncertain significance for Iodotyrosyl coupling defect; Autoimmune thyroid disease, susceptibility to, 3. Last evaluated: 2023-07-10. Review status: criteria provided, single submitter. Criteria: ACMG Guidelines, 2015. Collection method: research. Allele origin: germline.

CeGaT Center for Human Genetics Tuebingen
Classification: Uncertain significance. Last evaluated: 2022-11-01. Review status: criteria provided, single submitter. Criteria: CeGaT Center For Human Genetics Tuebingen Variant Classification Criteria Version 2. Collection method: clinical testing. Allele origin: germline. Affected: yes. Observed: 2 variant alleles.

Fulgent Genetics
Classification: Uncertain significance for Iodotyrosyl coupling defect; Autoimmune thyroid disease, susceptibility to, 3. Last evaluated: 2022-01-04. Review status: criteria provided, single submitter. Criteria: ACMG Guidelines, 2015. Collection method: clinical testing. Allele origin: unknown.

Molecular Oncology Research Center, Barretos Cancer Hospital
Classification: Uncertain significance for Hereditary breast ovarian cancer syndrome. Last evaluated: 2020-08-01. Review status: criteria provided, single submitter. Criteria: ACMG Guidelines, 2015. Collection method: research. Allele origin: germline. Affected: yes. Observed: 1 variant allele.

Literature cited by the submitters: PubMed 27525530 (cited by Women's Health and Genetics/Laboratory Corporation of America, LabCorp); PubMed 36964972 (cited by Women's Health and Genetics/Laboratory Corporation of America, LabCorp); PubMed 36913313 (cited by Women's Health and Genetics/Laboratory Corporation of America, LabCorp); PubMed 28414800 (cited by Women's Health and Genetics/Laboratory Corporation of America, LabCorp).